The following is an entry in ClinVar:

NM_025137.4(SPG11):c.2445G>A (p.Arg815=)

Gene: SPG11 (SPG11 vesicle trafficking associated, spatacsin; minus strand). Cytogenetic location: 15q21.1.
Variant type: single nucleotide variant.
Coding change: c.2445G>A on transcript NM_025137.4 (MANE Select); coding-DNA position 2445, G replaced by A.
Protein change: p.Arg815=; no amino-acid change (arginine 815 retained).
Molecular consequence: synonymous variant.
Genome position (GRCh38, 1-based): chr15:44,621,934, C>T on the plus strand (G>A on the coding strand, the complement: SPG11 is on the minus strand). VCF-style: chr15-44621934-C-T. GRCh37 (hg19) VCF-style: chr15-44914132-C-T.
Other names: c.2445G>A, p.Arg815= (NM_001160227.2).
Identifiers: ClinVar variation 950822 (VCV000950822.9), dbSNP rs748048928, ClinGen allele CA7535235.

ClinVar aggregate classification (germline): Conflicting classifications of pathogenicity. Review status: criteria provided, conflicting classifications (1 of 4 stars). 3 submissions from 3 submitters: Uncertain significance (2); Likely benign (1). Last evaluated 2026-03-18.

Conditions:
Inborn genetic diseases. Identifiers: MedGen C0950123, MeSH D030342.
Hereditary spastic paraplegia 11. Also called: Spastic paraplegia, mental retardation and thin corpus callosum; SPASTIC PARAPLEGIA, AUTOSOMAL RECESSIVE, COMPLICATED, WITH THIN CORPUS CALLOSUM; SPASTIC PARAPLEGIA, AUTOSOMAL RECESSIVE, WITH MENTAL IMPAIRMENT AND THIN CORPUS CALLOSUM; Spastic Paraplegia 11; Nakamura Osame syndrome; Autosomal recessive hereditary spastic paraplegia, mental impairment, and thin corpus callosum. Identifiers: Orphanet 2822, MedGen C1858479, MONDO:0011445, OMIM 604360.

Allele frequency attached by ClinVar (database versions not stated): TOPMed below 0.00001; gnomAD 0.00001; gnomAD exomes 0.00003 and 0.00005; ExAC 0.00010.
gnomAD v4.1: 45 of 1,605,866 alleles (0.0028%); highest among the groups gnomAD compares: Non-Finnish European, 0.0038%; no homozygotes.

Submissions (3):

GeneDx
Classification: Uncertain significance. Last evaluated: 2026-03-18. Review status: criteria provided, single submitter. Criteria: GeneDx Variant Classification Process June 2021. Collection method: clinical testing. Allele origin: germline.
Comment: Not observed at significant frequency in large population cohorts (gnomAD); Has not been previously published as pathogenic or benign to our knowledge; In silico analysis is inconclusive as to whether the variant alters gene splicing. In the absence of RNA/functional studies, the actual effect of this sequence change is unknown.

Labcorp Genetics (formerly Invitae), Labcorp
Classification: Uncertain significance for Hereditary spastic paraplegia 11. Last evaluated: 2022-03-03. Review status: criteria provided, single submitter. Criteria: Invitae Variant Classification Sherloc (09022015). Collection method: clinical testing. Allele origin: germline.
Comment: This sequence change affects codon 815 of the SPG11 mRNA. It is a 'silent' change, meaning that it does not change the encoded amino acid sequence of the SPG11 protein. It affects a nucleotide within the consensus splice site. This variant is present in population databases (rs748048928, gnomAD 0.01%). This variant has not been reported in the literature in individuals affected with SPG11-related conditions. ClinVar contains an entry for this variant (Variation ID: 950822). Algorithms developed to predict the effect of sequence changes on RNA splicing suggest that this variant may disrupt the consensus splice site. In summary, the available evidence is currently insufficient to determine the role of this variant in disease. Therefore, it has been classified as a Variant of Uncertain Significance.

Ambry Genetics
Classification: Likely benign for Inborn genetic diseases. Last evaluated: 2020-10-30. Review status: criteria provided, single submitter. Criteria: Ambry Variant Classification Scheme 2023. Collection method: clinical testing. Allele origin: germline.